The following is an entry in ClinVar:

ClinVar aggregate classification (germline): Uncertain significance (1 of 4 stars; one submission).

Allele frequency attached by ClinVar (database versions not stated): TOPMed below 0.00001; gnomAD 0.00001; gnomAD exomes 0.00002 and 0.00005; ExAC 0.00007; ESP Exome Variant Server 0.00008.

Submission:

Labcorp Genetics (formerly Invitae), Labcorp
Classification: Uncertain significance. Last evaluated: 2021-09-24. Review status: criteria provided, single submitter. Criteria: Invitae Variant Classification Sherloc (09022015). Collection method: clinical testing. Allele origin: germline.
Comment: This sequence change replaces isoleucine with threonine at codon 159 of the PHYH protein (p.Ile159Thr). The isoleucine residue is highly conserved and there is a moderate physicochemical difference between isoleucine and threonine. This variant is present in population databases (rs150982538, ExAC 0.02%). This variant has not been reported in the literature in individuals with PHYH-related conditions. Algorithms developed to predict the effect of missense changes on protein structure and function (SIFT, PolyPhen-2, Align-GVGD) all suggest that this variant is likely to be disruptive, but these predictions have not been confirmed by published functional studies and their clinical significance is uncertain. In summary, the available evidence is currently insufficient to determine the role of this variant in disease. Therefore, it has been classified as a Variant of Uncertain Significance.

NM_006214.4(PHYH):c.476T>C (p.Ile159Thr)

Gene: PHYH (phytanoyl-CoA 2-hydroxylase; minus strand). Cytogenetic location: 10p13.
Variant type: single nucleotide variant.
Coding change: c.476T>C on transcript NM_006214.4 (MANE Select); coding-DNA position 476, T replaced by C.
Protein change: p.Ile159Thr; replaces isoleucine 159 with threonine.
Molecular consequence: missense variant. On other transcripts: intron variant (1).
Genome position (GRCh38, 1-based): chr10:13,291,851, A>G on the plus strand (T>C on the coding strand, the complement: PHYH is on the minus strand). VCF-style: chr10-13291851-A-G. GRCh37 (hg19) VCF-style: chr10-13333851-A-G.
Other names: c.176T>C, p.Ile59Thr (NM_001037537.2, NM_001323080.2, NM_001323084.2); c.476T>C, p.Ile159Thr (NM_001323082.2); c.414+2577T>C (NM_001323083.2); short protein forms I59T, I159T.
Identifiers: ClinVar variation 1428084 (VCV001428084.5), dbSNP rs150982538, ClinGen allele CA5412362.